The following is an entry in ClinVar:

ClinVar aggregate classification (germline): Uncertain significance. Review status: criteria provided, multiple submitters, no conflicts (2 of 4 stars). 3 submissions from 3 submitters: Uncertain significance (3). Last evaluated 2025-05-21.

Conditions:
Inborn genetic diseases. Identifiers: MedGen C0950123, MeSH D030342.
DOCK8-related disorder. Also called: DOCK8-related condition.
Combined immunodeficiency due to DOCK8 deficiency (HIES2). Also called: HIES autosomal recessive; Hyper-IgE recurrent infection syndrome, autosomal recessive; HYPER-IgE RECURRENT INFECTION SYNDROME 2, AUTOSOMAL RECESSIVE; DOCK8 Deficiency; HYPER-IgE SYNDROME 2, AUTOSOMAL RECESSIVE, WITH RECURRENT INFECTIONS. Identifiers: Orphanet 217390, MedGen C4722305, MONDO:0009478, OMIM 243700.

Allele frequency attached by ClinVar (database versions not stated): TOPMed below 0.00001; gnomAD 0.00001.
gnomAD v4.1: 8 of 1,614,058 alleles (0.0005%); highest among the groups gnomAD compares: Non-Finnish European, 0.00059%; no homozygotes.

Submissions (3):

Ambry Genetics
Classification: Uncertain significance for Inborn genetic diseases. Last evaluated: 2025-05-21. Review status: criteria provided, single submitter. Criteria: Ambry Variant Classification Scheme 2023. Collection method: clinical testing. Allele origin: germline.

PreventionGenetics, part of Exact Sciences
Classification: Uncertain significance for DOCK8-related condition. Last evaluated: 2022-12-02. Review status: criteria provided, single submitter. Criteria: ACMG Guidelines, 2015. Collection method: clinical testing. Allele origin: germline.
Comment: The DOCK8 c.2691G>C variant is predicted to result in the amino acid substitution p.Gln897His. To our knowledge, this variant has not been reported in the literature or in a large population database, indicating this variant is rare. At this time, the clinical significance of this variant is uncertain due to the absence of conclusive functional and genetic evidence.

Labcorp Genetics (formerly Invitae), Labcorp
Classification: Uncertain significance for Combined immunodeficiency due to DOCK8 deficiency. Last evaluated: 2022-10-27. Review status: criteria provided, single submitter. Criteria: Invitae Variant Classification Sherloc (09022015). Collection method: clinical testing. Allele origin: germline.
Comment: In summary, the available evidence is currently insufficient to determine the role of this variant in disease. Therefore, it has been classified as a Variant of Uncertain Significance. This sequence change replaces glutamine, which is neutral and polar, with histidine, which is basic and polar, at codon 897 of the DOCK8 protein (p.Gln897His). This variant is not present in population databases (gnomAD no frequency). This variant has not been reported in the literature in individuals affected with DOCK8-related conditions. Advanced modeling of protein sequence and biophysical properties (such as structural, functional, and spatial information, amino acid conservation, physicochemical variation, residue mobility, and thermodynamic stability) has been performed at Invitae for this missense variant, however the output from this modeling did not meet the statistical confidence thresholds required to predict the impact of this variant on DOCK8 protein function.

NM_203447.4(DOCK8):c.2691G>C (p.Gln897His)

Gene: DOCK8 (dedicator of cytokinesis 8; plus strand). Cytogenetic location: 9p24.3.
Variant type: single nucleotide variant.
Coding change: c.2691G>C on transcript NM_203447.4 (MANE Select); coding-DNA position 2691, G replaced by C.
Protein change: p.Gln897His; replaces glutamine 897 with histidine.
Molecular consequence: missense variant.
Genome position (GRCh38, 1-based): chr9:382,598, G>C. VCF-style: chr9-382598-G-C. GRCh37 (hg19) VCF-style: chr9-382598-G-C.
Other names: c.2487G>C, p.Gln829His (NM_001190458.2, NM_001193536.2); short protein forms Q829H, Q897H.
Identifiers: ClinVar variation 2635599 (VCV002635599.5), dbSNP rs1266516155, ClinGen allele CA372765298.